The following is an entry in ClinVar:

NM_005045.4(RELN):c.9900C>G (p.Pro3300=)

Genes: SLC26A5-AS1 (SLC26A5 antisense RNA 1; plus strand), RELN (reelin; minus strand). Cytogenetic location: 7q22.1.
Variant type: single nucleotide variant.
Coding change: c.9900C>G on transcript NM_005045.4 (MANE Select); coding-DNA position 9900, C replaced by G.
Protein change: p.Pro3300=; no amino-acid change (proline 3300 retained).
Molecular consequence: synonymous variant.
Genome position (GRCh38, 1-based): chr7:103,486,280, G>C on the plus strand (C>G on the coding strand, the complement: RELN is on the minus strand). VCF-style: chr7-103486280-G-C. GRCh37 (hg19) VCF-style: chr7-103126727-G-C.
Other names: c.9900C>G, p.Pro3300= (NM_173054.3).
Identifiers: ClinVar variation 513223 (VCV000513223.1), dbSNP rs1554361241, ClinGen allele CA457022175.

ClinVar aggregate classification (germline): Likely benign (1 of 4 stars; one submission).

Submission:

GeneDx
Classification: Likely benign. Last evaluated: 2017-11-08. Review status: criteria provided, single submitter. Criteria: GeneDx Variant Classification (06012015). Collection method: clinical testing. Allele origin: germline. Affected: yes.
Comment: This variant is considered likely benign or benign based on one or more of the following criteria: it is a conservative change, it occurs at a poorly conserved position in the protein, it is predicted to be benign by multiple in silico algorithms, and/or has population frequency not consistent with disease.